The following is an entry in ClinVar:

ClinVar aggregate classification (germline): Pathogenic (1 of 4 stars; one submission).

Conditions:
Capillary malformation-arteriovenous malformation syndrome. Also called: Capillary malformation-arteriovenous malformation. Identifiers: Orphanet 137667, MedGen C1842180, MONDO:0012016.

Submission:

Labcorp Genetics (formerly Invitae), Labcorp
Classification: Pathogenic for Capillary malformation-arteriovenous malformation syndrome. Last evaluated: 2016-04-07. Review status: criteria provided, single submitter. Criteria: Invitae Variant Classification Sherloc (09022015). Collection method: clinical testing. Allele origin: germline.
Comment: For these reasons, this variant has been classified as Pathogenic. While this variant has not been reported in the literature, truncating variants in RASA1 are known to be pathogenic (PMID: 18446851, 24038909). This sequence change inserts 5 nucleotides in exon 23 of the RASA1 mRNA (c.2909_2913dupTTTTA), causing a frameshift at codon 972. This creates a premature translational stop signal (p.Asp972Phefs*2) and is expected to result in an absent or disrupted protein product.

Literature cited by the submitters: PubMed 18446851; PubMed 24038909.

NM_002890.3(RASA1):c.2909_2913dup (p.Asp972delinsPheTer)

Genes: CCNH (cyclin H; minus strand), RASA1 (RAS p21 protein activator 1; plus strand). Cytogenetic location: 5q14.3.
Variant type: Duplication.
Coding change: c.2909_2913dup on transcript NM_002890.3 (MANE Select); coding-DNA positions 2909 to 2913, 5 bases duplicated (TTTTA; older notation c.2909_2913dupTTTTA).
Protein change: p.Asp972delinsPheTer.
Molecular consequence: nonsense. On other transcripts: intron variant (1).
Genome position (GRCh38, 1-based): chr5:87,386,887-87,386,891, TTTTA duplicated. VCF-style (leftmost placement, unchanged base first): chr5-87386886-T-TTTTTA. GRCh37 (hg19) VCF-style: chr5-86682703-T-TTTTTA.
Other names: c.2378_2382dup, p.Asp795delinsPheTer (NM_022650.3); c.933+8153_933+8157dup (NM_001364075.2).
Identifiers: ClinVar variation 239413 (VCV000239413.8), dbSNP rs878854570, ClinGen allele CA10582438.